The following is an entry in ClinVar:

NM_006922.4(SCN3A):c.3420A>C (p.Glu1140Asp)

Gene: SCN3A (sodium voltage-gated channel alpha subunit 3; minus strand). Cytogenetic location: 2q24.3.
Variant type: single nucleotide variant.
Coding change: c.3420A>C on transcript NM_006922.4 (MANE Select); coding-DNA position 3420, A replaced by C.
Protein change: p.Glu1140Asp; replaces glutamic acid 1140 with aspartic acid.
Molecular consequence: missense variant.
Genome position (GRCh38, 1-based): chr2:165,115,549, T>G on the plus strand (A>C on the coding strand, the complement: SCN3A is on the minus strand). VCF-style: chr2-165115549-T-G. GRCh37 (hg19) VCF-style: chr2-165972059-T-G.
Other names: c.3273A>C, p.Glu1091Asp (NM_001081676.2, NM_001081677.2); short protein forms E1091D, E1140D.
Identifiers: ClinVar variation 1314586 (VCV001314586.2), dbSNP rs1686330793, ClinGen allele CA349035899.

ClinVar aggregate classification (germline): Uncertain significance (1 of 4 stars; one submission).

Submission:

GeneDx
Classification: Uncertain significance. Last evaluated: 2021-04-19. Review status: criteria provided, single submitter. Criteria: GeneDx Variant Classification Process June 2021. Collection method: clinical testing. Allele origin: germline. Affected: yes.
Comment: Not observed in large population cohorts (Lek et al., 2016); In silico analysis supports that this missense variant has a deleterious effect on protein structure/function; Has not been previously published as pathogenic or benign to our knowledge